The following is an entry in ClinVar:

ClinVar aggregate classification (germline): Uncertain significance. Review status: criteria provided, multiple submitters, no conflicts (2 of 4 stars). 2 submissions from 2 submitters: Uncertain significance (2). Last evaluated 2025-09-30.

Conditions:
Deficiency of butyryl-CoA dehydrogenase (ACADSD). Also called: Short-Chain Acyl-CoA Dehydrogenase Deficiency; SCAD DEFICIENCY, MILD; ACYL-CoA DEHYDROGENASE, SHORT-CHAIN, DEFICIENCY OF; SCADH DEFICIENCY; SCAD Deficiency; ACADS DEFICIENCY. Identifiers: Orphanet 26792, MedGen C0342783, MONDO:0008722, OMIM 201470. Disease mechanism: May be benign.

Allele frequency attached by ClinVar (database versions not stated): TOPMed below 0.00001; gnomAD 0.00001; gnomAD exomes 0.00003.
gnomAD v4.1: 48 of 1,614,026 alleles (0.003%); highest among the groups gnomAD compares: Middle Eastern, 0.016%; no homozygotes.

Submissions (2):

Labcorp Genetics (formerly Invitae), Labcorp
Classification: Uncertain significance for Deficiency of butyryl-CoA dehydrogenase. Last evaluated: 2025-09-30. Review status: criteria provided, single submitter. Criteria: Invitae Variant Classification Sherloc (09022015). Collection method: clinical testing. Allele origin: germline.
Comment: This sequence change replaces tryptophan, which is neutral and slightly polar, with leucine, which is neutral and non-polar, at codon 22 of the ACADS protein (p.Trp22Leu). This variant is present in population databases (rs774970155, gnomAD 0.02%). This variant has not been reported in the literature in individuals affected with ACADS-related conditions. ClinVar contains an entry for this variant (Variation ID: 1419111). Invitae Evidence Modeling of protein sequence and biophysical properties (such as structural, functional, and spatial information, amino acid conservation, physicochemical variation, residue mobility, and thermodynamic stability) indicates that this missense variant is expected to disrupt ACADS protein function with a positive predictive value of 95%. In summary, the available evidence is currently insufficient to determine the role of this variant in disease. Therefore, it has been classified as a Variant of Uncertain Significance.

Mayo Clinic Laboratories, Mayo Clinic
Classification: Uncertain significance. Last evaluated: 2024-02-15. Review status: criteria provided, single submitter. Criteria: ACMG Guidelines, 2015. Collection method: clinical testing. Allele origin: germline. Observed: 1 variant allele.

NM_000017.4(ACADS):c.65G>T (p.Trp22Leu)

Gene: ACADS (acyl-CoA dehydrogenase short chain; plus strand). Cytogenetic location: 12q24.31.
Variant type: single nucleotide variant.
Coding change: c.65G>T on transcript NM_000017.4 (MANE Select); coding-DNA position 65, G replaced by T.
Protein change: p.Trp22Leu; replaces tryptophan 22 with leucine.
Molecular consequence: missense variant.
Genome position (GRCh38, 1-based): chr12:120,727,044, G>T. VCF-style: chr12-120727044-G-T. GRCh37 (hg19) VCF-style: chr12-121164847-G-T.
Other names: p.Trp22Leu; c.65G>T, p.Trp22Leu (NM_001302554.2); short protein forms W22L.
Identifiers: ClinVar variation 1419111 (VCV001419111.7), dbSNP rs774970155, ClinGen allele CA6830752.
Genomic context (GRCh38, chr12:120,727,044, plus strand): 5'-CTCCTGCCTCCTCCTTCCACTCACTTCTGCCCTTGCCGGCAGCTCTCTGTCCTAGGGCCT[G>T]GCGGCAGTTACACACCATCTACCAGTCTGTGGAACTGCCCGAGACACACCAGATGTTGCT-3'
Protein context (NP_000008.1, residues 12-32): PARRALCPRA[Trp22Leu]RQLHTIYQSV